The following is an entry in ClinVar:

ClinVar aggregate classification (germline): Uncertain significance (1 of 4 stars; one submission).

Submission:

Labcorp Genetics (formerly Invitae), Labcorp
Classification: Uncertain significance. Last evaluated: 2021-11-01. Review status: criteria provided, single submitter. Criteria: Invitae Variant Classification Sherloc (09022015). Collection method: clinical testing. Allele origin: germline.
Comment: This sequence change replaces glutamine, which is neutral and polar, with histidine, which is basic and polar, at codon 1483 of the MYO18B protein (p.Gln1483His). This variant is not present in population databases (gnomAD no frequency). This variant has not been reported in the literature in individuals affected with MYO18B-related conditions. Algorithms developed to predict the effect of missense changes on protein structure and function are either unavailable or do not agree on the potential impact of this missense change (SIFT: "Not Available"; PolyPhen-2: "Probably Damaging"; Align-GVGD: "Not Available"). In summary, the available evidence is currently insufficient to determine the role of this variant in disease. Therefore, it has been classified as a Variant of Uncertain Significance.

NM_032608.7(MYO18B):c.4449A>T (p.Gln1483His)

Genes: MYO18B (myosin XVIIIB; plus strand), MYO18B-AS1 (MYO18B antisense RNA 1; minus strand). Cytogenetic location: 22q12.1.
Variant type: single nucleotide variant.
Coding change: c.4449A>T on transcript NM_032608.7 (MANE Select); coding-DNA position 4449, A replaced by T.
Protein change: p.Gln1483His; replaces glutamine 1483 with histidine.
Molecular consequence: missense variant.
Genome position (GRCh38, 1-based): chr22:25,891,318, A>T. VCF-style: chr22-25891318-A-T. GRCh37 (hg19) VCF-style: chr22-26287285-A-T.
Other names: c.4452A>T, p.Gln1484His (NM_001318245.2); short protein forms Q1483H, Q1484H.
Identifiers: ClinVar variation 1475983 (VCV001475983.6), dbSNP rs2146281854, ClinGen allele CA411009552.